The following is an entry in ClinVar:

ClinVar aggregate classification (germline): Uncertain significance. Review status: criteria provided, multiple submitters, no conflicts (2 of 4 stars). 2 submissions from 2 submitters: Uncertain significance (2). Last evaluated 2023-05-25.

Conditions:
Cystic fibrosis (CF). Also called: MUCOVISCIDOSIS. Identifiers: Orphanet 586, MedGen C0010674, MONDO:0009061, OMIM 219700. Disease mechanism: loss of function.

gnomAD v4.1: 2 of 1,591,036 alleles (0.00013%); highest among the groups gnomAD compares: Non-Finnish European, 0.00017%; no homozygotes.

Submissions (2):

Ambry Genetics
Classification: Uncertain significance for Cystic fibrosis. Last evaluated: 2023-05-25. Review status: criteria provided, single submitter. Criteria: Ambry Variant Classification Scheme 2023. Collection method: clinical testing. Allele origin: germline.
Comment: The p.A252S variant (also known as c.754G>T), located in coding exon 7 of the CFTR gene, results from a G to T substitution at nucleotide position 754. The alanine at codon 252 is replaced by serine, an amino acid with similar properties. This amino acid position is conserved. In addition, the in silico prediction for this alteration is inconclusive. Since supporting evidence is limited at this time, the clinical significance of this alteration remains unclear.

Dr. med. U. Finckh, Human Genetics, Eurofins MVZ
Classification: Uncertain significance for Cystic fibrosis. Last evaluated: 2021-06-09. Review status: criteria provided, single submitter. Criteria: ACMG Guidelines, 2015. Collection method: clinical testing. Allele origin: unknown. Affected: no. Observed: 1 heterozygote.

NM_000492.4(CFTR):c.754G>T (p.Ala252Ser)

Gene: CFTR (CF transmembrane conductance regulator; plus strand). Cytogenetic location: 7q31.2.
Variant type: single nucleotide variant.
Coding change: c.754G>T on transcript NM_000492.4 (MANE Select); coding-DNA position 754, G replaced by T.
Protein change: p.Ala252Ser; replaces alanine 252 with serine.
Molecular consequence: missense variant.
Genome position (GRCh38, 1-based): chr7:117,536,558, G>T. VCF-style: chr7-117536558-G-T. GRCh37 (hg19) VCF-style: chr7-117176612-G-T.
Other names: short protein forms A252S.
Identifiers: ClinVar variation 2562524 (VCV002562524.3), dbSNP rs748582435, ClinGen allele CA368977339.